The following is an entry in ClinVar:

ClinVar aggregate classification (germline): Conflicting classifications of pathogenicity. Review status: criteria provided, conflicting classifications (1 of 4 stars). 3 submissions from 3 submitters: Uncertain significance (1); Likely benign (2). Last evaluated 2026-09-01.

Conditions:
Hereditary cancer-predisposing syndrome. Also called: Hereditary Cancer Syndrome; Neoplastic Syndromes, Hereditary; Tumor predisposition; Hereditary neoplastic syndrome. Identifiers: Orphanet 140162, MedGen C0027672, MeSH D009386, MONDO:0015356.
Peutz-Jeghers syndrome (PJS). Also called: POLYPOSIS, HAMARTOMATOUS INTESTINAL; POLYPS-AND-SPOTS SYNDROME; Peutz-Jeghers polyposis; Periorificial lentiginosis syndrome. Identifiers: Orphanet 2869, MedGen C0031269, MeSH D010580, MONDO:0008280, OMIM 175200.

Allele frequency attached by ClinVar (database versions not stated): TOPMed 0.00011; gnomAD 0.00015 and 0.00016; gnomAD exomes 0.00020.

Submissions (3):

CeGaT Center for Human Genetics Tuebingen
Classification: Likely benign. Last evaluated: 2026-09-01. Review status: criteria provided, single submitter. Criteria: CeGaT Center For Human Genetics Tuebingen Variant Classification Criteria Version 2. Collection method: clinical testing. Allele origin: germline. Affected: yes. Observed: 2 variant alleles.
Comment: STK11: BP4, BP7

Institute for Biomarker Research, Medical Diagnostic Laboratories, L.L.C.
Classification: Likely benign for Hereditary cancer-predisposing syndrome. Last evaluated: 2024-02-14. Review status: criteria provided, single submitter. Criteria: ACMG Guidelines, 2015. Collection method: clinical testing. Allele origin: germline.

Illumina Laboratory Services, Illumina
Classification: Uncertain significance for Peutz-Jeghers syndrome. Last evaluated: 2018-10-05. Review status: criteria provided, single submitter. Criteria: ICSL Variant Classification Criteria 13 December 2019. Collection method: clinical testing. Allele origin: germline.

NM_000455.5(STK11):c.*332C>T

Gene: STK11 (serine/threonine kinase 11; plus strand). Cytogenetic location: 19p13.3.
Variant type: single nucleotide variant.
Coding change: c.*332C>T on transcript NM_000455.5 (MANE Select); 332 bases downstream of the stop codon, C replaced by T.
Molecular consequence: 3 prime UTR variant.
Genome position (GRCh38, 1-based): chr19:1,227,908, C>T. VCF-style: chr19-1227908-C-T. GRCh37 (hg19) VCF-style: chr19-1227907-C-T.
Identifiers: ClinVar variation 888788 (VCV000888788.9), dbSNP rs1034644018, ClinGen allele CA304035606.